The following is an entry in ClinVar:

NM_014271.4(IL1RAPL1):c.307A>G (p.Ile103Val)

Gene: IL1RAPL1 (interleukin 1 receptor accessory protein like 1; plus strand). Cytogenetic location: Xp21.3.
Variant type: single nucleotide variant.
Coding change: c.307A>G on transcript NM_014271.4 (MANE Select); coding-DNA position 307, A replaced by G.
Protein change: p.Ile103Val; replaces isoleucine 103 with valine.
Molecular consequence: missense variant.
Genome position (GRCh38, 1-based): chrX:29,283,162, A>G. VCF-style: chrX-29283162-A-G. GRCh37 (hg19) VCF-style: chrX-29301279-A-G.
Other names: short protein forms I103V.
Identifiers: ClinVar variation 2725517 (VCV002725517.3), dbSNP rs1355268343, ClinGen allele CA412633335.

ClinVar aggregate classification (germline): Uncertain significance (1 of 4 stars; one submission).

Allele frequency attached by ClinVar (database versions not stated): gnomAD exomes below 0.00001; TOPMed 0.00001.
gnomAD v4.1: 2 of 1,211,810 alleles (0.00017%); highest among the groups gnomAD compares: African/African-American, 0.0035%; no homozygotes.

Submission:

Labcorp Genetics (formerly Invitae), Labcorp
Classification: Uncertain significance. Last evaluated: 2024-02-15. Review status: criteria provided, single submitter. Criteria: Invitae Variant Classification Sherloc (09022015). Collection method: clinical testing. Allele origin: germline.
Comment: This sequence change replaces isoleucine, which is neutral and non-polar, with valine, which is neutral and non-polar, at codon 103 of the IL1RAPL1 protein (p.Ile103Val). This variant is not present in population databases (gnomAD no frequency). This variant has not been reported in the literature in individuals affected with IL1RAPL1-related conditions. An algorithm developed to predict the effect of missense changes on protein structure and function (PolyPhen-2) suggests that this variant is likely to be tolerated. In summary, the available evidence is currently insufficient to determine the role of this variant in disease. Therefore, it has been classified as a Variant of Uncertain Significance.